The following is an entry in ClinVar:

NM_014363.6(SACS):c.810T>G (p.Phe270Leu)

Gene: SACS (sacsin molecular chaperone; minus strand). Cytogenetic location: 13q12.12.
Variant type: single nucleotide variant.
Coding change: c.810T>G on transcript NM_014363.6 (MANE Select); coding-DNA position 810, T replaced by G.
Protein change: p.Phe270Leu; replaces phenylalanine 270 with leucine.
Molecular consequence: missense variant.
Genome position (GRCh38, 1-based): chr13:23,355,802, A>C on the plus strand (T>G on the coding strand, the complement: SACS is on the minus strand). VCF-style: chr13-23355802-A-C. GRCh37 (hg19) VCF-style: chr13-23929941-A-C.
Other names: c.369T>G, p.Phe123Leu (NM_001278055.2); short protein forms F270L, F123L.
Identifiers: ClinVar variation 448222 (VCV000448222.71), dbSNP rs116907814, ClinGen allele CA6912021.

ClinVar aggregate classification (germline): Conflicting classifications of pathogenicity. Review status: criteria provided, conflicting classifications (1 of 4 stars). 10 submissions from 10 submitters: Uncertain significance (1); Benign (5); Likely benign (2). 2 of the submissions do not count toward it. Last evaluated 2026-01-22.

Conditions:
SACS-related disorder. Also called: SACS-related condition.
Spastic paraplegia. Identifiers: MedGen C0037772, HP:0001258.
Hereditary spastic paraplegia. Also called: Familial spastic paraparesis. Identifiers: Orphanet 685, MedGen C0037773, MONDO:0019064. Disease mechanism: loss of function.
Charlevoix-Saguenay spastic ataxia (SACS). Also called: SPASTIC ATAXIA 6, AUTOSOMAL RECESSIVE; Spastic ataxia of Charlevoix-Saguenay; AUTOSOMAL RECESSIVE SPASTIC ATAXIA OF CHARLEVOIX-SAGUENAY. Identifiers: Orphanet 98, MedGen C1849140, MONDO:0010041, OMIM 270550.

Allele frequency attached by ClinVar (database versions not stated): ESP Exome Variant Server 0.00031; TOPMed 0.00035; 1000 Genomes Project 0.00040; 1000 Genomes Project 30x 0.00047; ExAC 0.00099; gnomAD exomes 0.00136; gnomAD 0.00140 and 0.00149.
gnomAD v4.1: 1,331 of 1,614,220 alleles (0.082%); highest among the groups gnomAD compares: Non-Finnish European, 0.058%; 7 homozygotes.

Submissions (10):

Labcorp Genetics (formerly Invitae), Labcorp
Classification: Benign for Spastic paraplegia. Last evaluated: 2026-01-22. Review status: criteria provided, single submitter. Criteria: Invitae Variant Classification Sherloc (09022015). Collection method: clinical testing. Allele origin: germline.

CeGaT Center for Human Genetics Tuebingen
Classification: Benign. Last evaluated: 2023-02-01. Review status: criteria provided, single submitter. Criteria: CeGaT Center For Human Genetics Tuebingen Variant Classification Criteria Version 2. Collection method: clinical testing. Allele origin: germline. Affected: yes. Observed: 3 variant alleles.
Comment: SACS: BS1, BS2

Genome-Nilou Lab
Classification: Likely benign for Charlevoix-Saguenay spastic ataxia. Last evaluated: 2021-09-05. Review status: criteria provided, single submitter. Criteria: ACMG Guidelines, 2015. Collection method: clinical testing. Allele origin: germline. Affected: no.

Mayo Clinic Laboratories, Mayo Clinic
Classification: Benign. Last evaluated: 2021-06-17. Review status: criteria provided, single submitter. Criteria: ACMG Guidelines, 2015. Collection method: clinical testing. Allele origin: germline. Observed: 4 variant alleles.

Genome Diagnostics Laboratory, The Hospital for Sick Children
Classification: Likely benign for Hereditary spastic paraplegia. Last evaluated: 2021-04-08. Review status: criteria provided, single submitter. Criteria: ACMG Guidelines, 2015. Collection method: clinical testing. Allele origin: germline. Affected: yes.

Athena Diagnostics
Classification: Benign. Last evaluated: 2018-03-01. Review status: criteria provided, single submitter. Criteria: Athena Diagnostics Criteria. Collection method: clinical testing. Allele origin: germline.

Illumina Laboratory Services, Illumina
Classification: Uncertain significance for Charlevoix-Saguenay spastic ataxia. Last evaluated: 2018-01-13. Review status: criteria provided, single submitter. Criteria: ICSL Variant Classification Criteria 13 December 2019. Collection method: clinical testing. Allele origin: germline.

Eurofins Ntd Llc (ga)
Classification: Benign. Last evaluated: 2017-09-07. Review status: criteria provided, single submitter. Criteria: EGL Classification Definitions 2015. Collection method: clinical testing. Allele origin: germline. Observed: 1 variant allele, 1 heterozygote.

Natera, Inc.
Classification: Likely benign for Charlevoix-Saguenay type spastic ataxia. Last evaluated: 2021-02-26. Review status: no assertion criteria provided. Collection method: clinical testing. Allele origin: germline. Not counted in ClinVar's aggregate classification.

PreventionGenetics, part of Exact Sciences
Classification: Benign for SACS-related condition. Last evaluated: 2019-09-10. Review status: no assertion criteria provided. Collection method: clinical testing. Allele origin: germline. Not counted in ClinVar's aggregate classification.
Comment: This variant is classified as benign based on ACMG/AMP sequence variant interpretation guidelines (Richards et al. 2015 PMID: 25741868, with internal and published modifications).

Literature cited by the submitters: PubMed 26410750 (cited by Athena Diagnostics).